The following is an entry in ClinVar:

NM_001849.4(COL6A2):c.1562G>A (p.Arg521Gln)

Gene: COL6A2 (collagen type VI alpha 2 chain; plus strand). Cytogenetic location: 21q22.3.
Variant type: single nucleotide variant.
Coding change: c.1562G>A on transcript NM_001849.4 (MANE Select); coding-DNA position 1562, G replaced by A.
Protein change: p.Arg521Gln; replaces arginine 521 with glutamine.
Molecular consequence: missense variant.
Genome position (GRCh38, 1-based): chr21:46,122,148, G>A. VCF-style: chr21-46122148-G-A. GRCh37 (hg19) VCF-style: chr21-47542062-G-A.
Other names: c.1562G>A, p.Arg521Gln (NM_058174.3, NM_058175.3); short protein forms R521Q.
Identifiers: ClinVar variation 287891 (VCV000287891.27), dbSNP rs367693258, ClinGen allele CA10071977.

ClinVar aggregate classification (germline): Conflicting classifications of pathogenicity. Review status: criteria provided, conflicting classifications (1 of 4 stars). 8 submissions from 8 submitters: Uncertain significance (7); Likely benign (1). Last evaluated 2025-10-29.

Conditions:
Inborn genetic diseases. Identifiers: MedGen C0950123, MeSH D030342.
Ullrich congenital muscular dystrophy 1B (UCMD1B). Identifiers: MedGen C5935582, MONDO:0958235, OMIM 620727.
Bethlem myopathy 1A. Also called: Bethlem Muscular Dystrophy; MYOPATHY, BENIGN CONGENITAL, WITH CONTRACTURES; Bethlem myopathy 1. Identifiers: Orphanet 610, MedGen CN029274, MONDO:0024530, OMIM 158810.

Allele frequency attached by ClinVar (database versions not stated): gnomAD 0.00001 and 0.00002; gnomAD exomes 0.00003; TOPMed 0.00004; ExAC 0.00005; ESP Exome Variant Server 0.00008.
gnomAD v4.1: 70 of 1,612,530 alleles (0.0043%); highest among the groups gnomAD compares: Admixed American, 0.01%; no homozygotes.

Submissions (8):

Labcorp Genetics (formerly Invitae), Labcorp
Classification: Likely benign for Bethlem myopathy 1A. Last evaluated: 2025-10-29. Review status: criteria provided, single submitter. Criteria: Invitae Variant Classification Sherloc (09022015). Collection method: clinical testing. Allele origin: germline.

Ambry Genetics
Classification: Uncertain significance for Inborn genetic diseases. Last evaluated: 2025-08-21. Review status: criteria provided, single submitter. Criteria: Ambry Variant Classification Scheme 2023. Collection method: clinical testing. Allele origin: germline.

GeneDx
Classification: Uncertain significance. Last evaluated: 2025-03-19. Review status: criteria provided, single submitter. Criteria: GeneDx Variant Classification Process June 2021. Collection method: clinical testing. Allele origin: germline. Affected: yes.
Comment: In silico analysis indicates that this missense variant does not alter protein structure/function; Has not been previously published as pathogenic or benign to our knowledge

Genomic Medicine Center of Excellence, King Faisal Specialist Hospital and Research Centre
Classification: Uncertain significance for Ullrich congenital muscular dystrophy 1B. Last evaluated: 2024-04-04. Review status: criteria provided, single submitter. Criteria: ACMG Guidelines, 2015. Collection method: clinical testing. Allele origin: germline.

Mayo Clinic Laboratories, Mayo Clinic
Classification: Uncertain significance. Last evaluated: 2020-03-23. Review status: criteria provided, single submitter. Criteria: ACMG Guidelines, 2015. Collection method: clinical testing. Allele origin: germline. Observed: 1 variant allele.

Laboratorio de Genetica e Diagnostico Molecular, Hospital Israelita Albert Einstein
Classification: Uncertain significance. Last evaluated: 2019-12-25. Review status: criteria provided, single submitter. Criteria: ACMG Guidelines, 2015. Collection method: clinical testing. Allele origin: germline. Affected: yes.
Comment: ACMG classification criteria: PM2

Revvity Omics, Revvity
Classification: Uncertain significance. Last evaluated: 2019-06-26. Review status: criteria provided, single submitter. Criteria: ACMG Guidelines, 2015. Collection method: clinical testing. Allele origin: germline.

Eurofins Ntd Llc (ga)
Classification: Uncertain significance. Last evaluated: 2016-05-12. Review status: criteria provided, single submitter. Criteria: EGL Classification Definitions 2015. Collection method: clinical testing. Allele origin: germline. Observed: 1 variant allele, 1 heterozygote.